The following is an entry in ClinVar:

ClinVar aggregate classification (germline): Uncertain significance (1 of 4 stars; one submission).

Conditions:
Congenital secretory diarrhea, chloride type (DIAR1). Also called: CHLORIDE DIARRHEA, CONGENITAL, FINNISH TYPE; CHLORIDORRHEA, CONGENITAL; DIARRHEA 1, SECRETORY CHLORIDE, CONGENITAL. Identifiers: Orphanet 53689, MedGen C0267662, MONDO:0008964, OMIM 214700.

gnomAD v4.1: 1 of 1,610,738 alleles (0.000062%); highest among the groups gnomAD compares: Non-Finnish European, 0.000085%; no homozygotes.

Submission:

3billion
Classification: Uncertain significance for Congenital secretory diarrhea, chloride type. Review status: criteria provided, single submitter. Criteria: ACMG Guidelines, 2015. Collection method: clinical testing. Allele origin: unknown. Affected: yes. Observed: 1 homozygote.
Comment: The variant is not observed in the gnomAD v2.1.1 dataset. In silico tool predictions suggest damaging effect of the variant on gene or gene product (REVEL: 0.95). Therefore, this variant is classified as Uncertain significance according to the recommendation of ACMG/AMP guideline.

NM_000111.3(SLC26A3):c.1511A>C (p.Gln504Pro)

Gene: SLC26A3 (solute carrier family 26 member 3; minus strand). Cytogenetic location: 7q22.3.
Variant type: single nucleotide variant.
Coding change: c.1511A>C on transcript NM_000111.3 (MANE Select); coding-DNA position 1511, A replaced by C.
Protein change: p.Gln504Pro; replaces glutamine 504 with proline.
Molecular consequence: missense variant.
Genome position (GRCh38, 1-based): chr7:107,778,178, T>G on the plus strand (A>C on the coding strand, the complement: SLC26A3 is on the minus strand). VCF-style: chr7-107778178-T-G. GRCh37 (hg19) VCF-style: chr7-107418623-T-G.
Other names: short protein forms Q504P.
Identifiers: ClinVar variation 2572400 (VCV002572400.1), dbSNP rs2535458324, ClinGen allele CA368851083.
Genomic context (GRCh38, chr7:107,778,178, plus strand): 5'-TCTTCTGATTTGGGCAGGTCCAAGCCTGCCAGGATGCAGAGCACTTTGAGCACTCACAAT[T>G]GGGTCCTGAACACGATGGTTAGCAGTTGAAATGCCACACTAGCTGCCAGGCCTAACCCGA-3'
Protein context (NP_000102.1, residues 494-514): FQLLTIVFRT[Gln504Pro]FPKCSTLANI